The following is an entry in ClinVar:

ClinVar aggregate classification (germline): Uncertain significance. Review status: criteria provided, multiple submitters, no conflicts (2 of 4 stars). 3 submissions from 3 submitters: Uncertain significance (3). Last evaluated 2025-10-23.

Conditions:
Cardiovascular phenotype. Identifiers: MedGen CN230736.
Hereditary cancer-predisposing syndrome. Also called: Tumor predisposition; Hereditary neoplastic syndrome; Neoplastic Syndromes, Hereditary; Hereditary Cancer Syndrome. Identifiers: Orphanet 140162, MedGen C0027672, MeSH D009386, MONDO:0015356.

Submissions (3):

Ambry Genetics
Classification: Uncertain significance for Cardiovascular phenotype; Hereditary cancer-predisposing syndrome. Last evaluated: 2025-10-23. Review status: criteria provided, single submitter. Criteria: Ambry Variant Classification Scheme 2023. Collection method: clinical testing. Allele origin: germline.
Comment: The p.P1412L variant (also known as c.4235C>T), located in coding exon 31 of the NF1 gene, results from a C to T substitution at nucleotide position 4235. The proline at codon 1412 is replaced by leucine, an amino acid with similar properties. This amino acid position is conserved. In addition, the in silico prediction for this alteration is inconclusive. Based on the available evidence, the clinical significance of this variant remains unclear.

Quest Diagnostics Nichols Institute San Juan Capistrano
Classification: Uncertain significance. Last evaluated: 2024-11-06. Review status: criteria provided, single submitter. Criteria: Quest Diagnostics criteria. Collection method: clinical testing. Allele origin: unknown.
Comment: The NF1 c.4235C>T (p.Pro1412Leu) variant has not been reported in individuals with NF1-related conditions in the published literature. It also has not been reported in large, multi-ethnic general populations (Genome Aggregation Database). Analysis of this variant using bioinformatics tools for the prediction of the effect of amino acid changes on protein structure and function yielded predictions that this variant is damaging. Based on the available information, we are unable to determine the clinical significance of this variant.

GeneDx
Classification: Uncertain significance. Last evaluated: 2023-03-16. Review status: criteria provided, single submitter. Criteria: GeneDx Variant Classification Process June 2021. Collection method: clinical testing. Allele origin: germline. Affected: yes.
Comment: Not observed at significant frequency in large population cohorts (gnomAD); In silico analysis supports that this missense variant has a deleterious effect on protein structure/function; Has not been previously published as pathogenic or benign to our knowledge; This variant is associated with the following publications: (PMID: 25486365, 22807134)

NM_001042492.3(NF1):c.4298C>T (p.Pro1433Leu)

Gene: NF1 (neurofibromin 1; plus strand). Cytogenetic location: 17q11.2.
Variant type: single nucleotide variant.
Coding change: c.4298C>T on transcript NM_001042492.3 (MANE Select); coding-DNA position 4298, C replaced by T.
Protein change: p.Pro1433Leu; replaces proline 1433 with leucine.
Molecular consequence: missense variant.
Genome position (GRCh38, 1-based): chr17:31,258,468, C>T. VCF-style: chr17-31258468-C-T. GRCh37 (hg19) VCF-style: chr17-29585486-C-T.
Other names: c.4235C>T, p.Pro1412Leu (NM_000267.4); short protein forms P1412L, P1433L.
Identifiers: ClinVar variation 2580076 (VCV002580076.3), dbSNP rs1310048288, ClinGen allele CA398998058.
Genomic context (GRCh38, chr17:31,258,468, plus strand): 5'-TTATCAATCCTGCCATTGTCTCACCGTATGAAGCAGGGATTTTAGATAAAAAGCCACCAC[C>T]TAGAATCGAAAGGGGCTTGAAGTTAATGTCAAAGGTGAATTATTTTGATAATCTAGCTAT-3'
Protein context (NP_001035957.1, residues 1423-1443): EAGILDKKPP[Pro1433Leu]RIERGLKLMS